The following is an entry in ClinVar:

ClinVar aggregate classification (germline): Pathogenic. Review status: criteria provided, single submitter (1 of 4 stars). 2 submissions from 2 submitters: Pathogenic (1). 1 of the submissions does not count toward it. Last evaluated 2022-12-13.

Conditions:
Spermatogenic failure 80 (SPGF80). Identifiers: MedGen C5774301, MONDO:0859364, OMIM 620222.

Allele frequency attached by ClinVar (database versions not stated): gnomAD 0.00001; ExAC 0.00002; gnomAD exomes 0.00002; TOPMed 0.00002; ESP Exome Variant Server 0.00008.
gnomAD v4.1: 30 of 1,612,800 alleles (0.0019%); highest among the groups gnomAD compares: Non-Finnish European, 0.0016%; no homozygotes.

Submissions (2):

GeneDx
Classification: Pathogenic. Last evaluated: 2022-12-13. Review status: criteria provided, single submitter. Criteria: GeneDx Variant Classification Process June 2021. Collection method: clinical testing. Allele origin: germline. Affected: yes.
Comment: Nonsense variant predicted to result in protein truncation or nonsense mediated decay in a gene for which loss-of-function is a known mechanism of disease; This variant is associated with the following publications: (PMID: 34169321, 34089056)

OMIM
Classification: Pathogenic for SPERMATOGENIC FAILURE 80. Last evaluated: 2023-01-25. Review status: no assertion criteria provided. Collection method: literature only. Allele origin: germline. Not counted in ClinVar's aggregate classification.

Literature cited by the submitters: PubMed 34169321 (cited by OMIM).

NM_145038.5(DRC1):c.238C>T (p.Arg80Ter)

Gene: DRC1 (dynein regulatory complex subunit 1; plus strand). Cytogenetic location: 2p23.3.
Variant type: single nucleotide variant.
Coding change: c.238C>T on transcript NM_145038.5 (MANE Select); coding-DNA position 238, C replaced by T.
Protein change: p.Arg80Ter; replaces arginine 80 with a stop codon.
Molecular consequence: nonsense.
Genome position (GRCh38, 1-based): chr2:26,414,426, C>T. VCF-style: chr2-26414426-C-T. GRCh37 (hg19) VCF-style: chr2-26637294-C-T.
Other names: short protein forms R80*.
Identifiers: ClinVar variation 1806620 (VCV001806620.2), dbSNP rs375961396, ClinGen allele CA1561804.